The following is an entry in ClinVar:

ClinVar aggregate classification (germline): Pathogenic (1 of 4 stars; one submission).

Submission:

Labcorp Genetics (formerly Invitae), Labcorp
Classification: Pathogenic. Last evaluated: 2022-09-27. Review status: criteria provided, single submitter. Criteria: Invitae Variant Classification Sherloc (09022015). Collection method: clinical testing. Allele origin: germline.
Comment: A gross deletion of the genomic region encompassing the full coding sequence of the TTC37 gene has been identified. Loss-of-function variants in TTC37 are known to be pathogenic (PMID: 20176027, 21120949). The boundaries of this event are unknown as they extend beyond the assayed region for this gene and therefore may encompass additional genes. This variant has not been reported in the literature in individuals affected with TTC37-related conditions. For these reasons, this variant has been classified as Pathogenic.

Literature cited by the submitters: PubMed 20176027; PubMed 21120949.

NC_000005.9:g.(?_94800311)_(96107383_?)del

Genes: ARSK (arylsulfatase family member K; plus strand), CAST (calpastatin; plus strand), ELL2 (elongation factor for RNA polymerase II 2; minus strand), ERAP1 (endoplasmic reticulum aminopeptidase 1; minus strand), GLRX (glutaredoxin; minus strand) and 6 more. Cytogenetic location: 5q15.
Variant type: Deletion.
Identifiers: ClinVar variation 2425958 (VCV002425958.4).